The following is an entry in ClinVar:

ClinVar aggregate classification (germline): Pathogenic (1 of 4 stars; one submission).

Submission:

CeGaT Center for Human Genetics Tuebingen
Classification: Pathogenic. Last evaluated: 2026-08-01. Review status: criteria provided, single submitter. Criteria: CeGaT Center For Human Genetics Tuebingen Variant Classification Criteria Version 2. Collection method: clinical testing. Allele origin: germline. Affected: yes. Observed: 1 variant allele.
Comment: SDHB: PVS1, PM2

NM_003000.3(SDHB):c.546dup (p.Leu183fs)

Gene: SDHB (succinate dehydrogenase complex iron sulfur subunit B; minus strand). Cytogenetic location: 1p36.13.
Variant type: Duplication.
Coding change: c.546dup on transcript NM_003000.3 (MANE Select); coding-DNA position 546, one base duplicated (G; older notation c.546dupG).
Protein change: p.Leu183fs; shifts the reading frame from leucine 183.
Molecular consequence: frameshift variant.
Genome position (GRCh38, 1-based): chr1:17,024,069, C duplicated on the plus strand (G on the coding strand, the reverse complement: SDHB is on the minus strand); the first of 3 consecutive C bases (chr1:17,024,069-17,024,071); duplicating any one gives the same sequence. VCF-style (leftmost placement, unchanged base first): chr1-17024068-G-GC. GRCh37 (hg19) VCF-style: chr1-17350563-G-GC.
Other names: c.492dup, p.Leu165fs (NM_001407361.1); short protein forms L165fs, L183fs.
Identifiers: ClinVar variation 5040409 (VCV005040409.1).
Genomic context (GRCh38, chr1:17,024,068, plus strand): 5'-CGTTCCACCAGTAGCTGGGGCAGCTGGTGCTACAGCAGGCACAGAGAATGCACTCGTAGA[G>GC]CCCGTCCTGTATGGGGAGAAAAGAGAGGCAGGAGCTTGTGACGGGAGAGACTCTGCTATG-3'